The following is an entry in ClinVar:

NM_007186.6(CEP250):c.3389C>T (p.Ala1130Val)

Gene: CEP250 (centrosomal protein 250; plus strand). Cytogenetic location: 20q11.22.
Variant type: single nucleotide variant.
Coding change: c.3389C>T on transcript NM_007186.6 (MANE Select); coding-DNA position 3389, C replaced by T.
Protein change: p.Ala1130Val; replaces alanine 1130 with valine.
Molecular consequence: missense variant.
Genome position (GRCh38, 1-based): chr20:35,497,801, C>T. VCF-style: chr20-35497801-C-T. GRCh37 (hg19) VCF-style: chr20-34085630-C-T.
Other names: c.1493C>T, p.Ala498Val (NM_001318219.1); short protein forms A1130V, A498V.
Identifiers: ClinVar variation 784723 (VCV000784723.14), dbSNP rs376566049, ClinGen allele CA9833461.

ClinVar aggregate classification (germline): Likely benign. Review status: criteria provided, multiple submitters, no conflicts (2 of 4 stars). 3 submissions from 3 submitters: Likely benign (2). 1 of the submissions does not count toward it. Last evaluated 2026-01-18.

Conditions:
CEP250-related disorder. Also called: CEP250-related condition.

Allele frequency attached by ClinVar (database versions not stated): gnomAD 0.00002 and 0.00023; TOPMed 0.00002; ESP Exome Variant Server 0.00008; gnomAD exomes 0.00085; 1000 Genomes Project 30x 0.00172; 1000 Genomes Project 0.00180; ExAC 0.00224.
gnomAD v4.1: 565 of 1,561,336 alleles (0.036%); highest among the groups gnomAD compares: South Asian, 0.62%; 5 homozygotes.

Submissions (3):

Labcorp Genetics (formerly Invitae), Labcorp
Classification: Likely benign. Last evaluated: 2026-01-18. Review status: criteria provided, single submitter. Criteria: Invitae Variant Classification Sherloc (09022015). Collection method: clinical testing. Allele origin: germline.

Blueprint Genetics
Classification: Likely benign. Last evaluated: 2024-10-24. Review status: criteria provided, single submitter. Criteria: ACMG Guidelines, 2015. Collection method: clinical testing. Allele origin: germline.

PreventionGenetics, part of Exact Sciences
Classification: Likely benign for CEP250-related condition. Last evaluated: 2019-07-22. Review status: no assertion criteria provided. Collection method: clinical testing. Allele origin: germline. Not counted in ClinVar's aggregate classification.
Comment: This variant is classified as likely benign based on ACMG/AMP sequence variant interpretation guidelines (Richards et al. 2015 PMID: 25741868, with internal and published modifications).